The following is an entry in ClinVar:

NM_006343.3(MERTK):c.1724del (p.Asn575fs)

Gene: MERTK (MER proto-oncogene, tyrosine kinase; plus strand). Cytogenetic location: 2q13.
Variant type: Deletion.
Coding change: c.1724del on transcript NM_006343.3 (MANE Select); coding-DNA position 1724, one base deleted (A; older notation c.1724delA).
Protein change: p.Asn575fs; shifts the reading frame from asparagine 575.
Molecular consequence: frameshift variant.
Genome position (GRCh38, 1-based): chr2:112,003,125, A deleted; the last of 4 consecutive A bases (chr2:112,003,122-112,003,125); deleting any one gives the same sequence. VCF-style (leftmost placement, unchanged base first): chr2-112003121-CA-C. GRCh37 (hg19) VCF-style: chr2-112760698-CA-C.
Other names: short protein forms N575fs.
Identifiers: ClinVar variation 1075430 (VCV001075430.8), dbSNP rs1187387547, ClinGen allele CA535186516.

ClinVar aggregate classification (germline): Pathogenic. Review status: criteria provided, multiple submitters, no conflicts (2 of 4 stars). 2 submissions from 2 submitters: Pathogenic (2). Last evaluated 2020-02-18.

Conditions:
Retinal dystrophy. Also called: Inherited retinal dystrophy. Identifiers: Orphanet 71862, MedGen C0854723, MeSH D058499, MONDO:0019118, HP:0000556.

Submissions (2):

Labcorp Genetics (formerly Invitae), Labcorp
Classification: Pathogenic. Last evaluated: 2020-02-18. Review status: criteria provided, single submitter. Criteria: Invitae Variant Classification Sherloc (09022015). Collection method: clinical testing. Allele origin: germline.
Comment: This variant is not present in population databases (ExAC no frequency). This variant has not been reported in the literature in individuals with MERTK-related conditions. Loss-of-function variants in MERTK are known to be pathogenic (PMID: 24265693, 29659094). For these reasons, this variant has been classified as Pathogenic. This sequence change creates a premature translational stop signal (p.Asn575Ilefs*3) in the MERTK gene. It is expected to result in an absent or disrupted protein product.

Institute of Human Genetics, Univ. Regensburg, Univ. Regensburg
Classification: Pathogenic for Retinal dystrophy. Last evaluated: 2020-01-01. Review status: criteria provided, single submitter. Criteria: ACMG Guidelines, 2015. Collection method: clinical testing. Allele origin: germline. Affected: yes.

Literature cited by the submitters: PubMed 24265693 (cited by Labcorp Genetics (formerly Invitae), Labcorp); PubMed 29659094 (cited by Labcorp Genetics (formerly Invitae), Labcorp); PubMed 36284670 (cited by Institute of Human Genetics, Univ. Regensburg, Univ. Regensburg); PubMed 3196484 (cited by Institute of Human Genetics, Univ. Regensburg, Univ. Regensburg).